The following is an entry in ClinVar:

NM_000264.5(PTCH1):c.3188T>C (p.Met1063Thr)

Gene: PTCH1 (patched 1; minus strand). Cytogenetic location: 9q22.32.
Variant type: single nucleotide variant.
Coding change: c.3188T>C on transcript NM_000264.5 (MANE Select); coding-DNA position 3188, T replaced by C.
Protein change: p.Met1063Thr; replaces methionine 1063 with threonine.
Molecular consequence: missense variant. On other transcripts: non-coding transcript variant (1).
Genome position (GRCh38, 1-based): chr9:95,456,394, A>G on the plus strand (T>C on the coding strand, the complement: PTCH1 is on the minus strand). VCF-style: chr9-95456394-A-G. GRCh37 (hg19) VCF-style: chr9-98218676-A-G.
Other names: c.2990T>C, p.Met997Thr (NM_001083602.3); c.3185T>C, p.Met1062Thr (NM_001083603.3); c.2735T>C, p.Met912Thr (NM_001083604.3, NM_001083605.3, NM_001083606.3 and 1 more transcripts); c.3032T>C, p.Met1011Thr (NM_001354918.2); c.3188T>C (NM_000264.4); short protein forms M1011T, M997T, M1063T, M1062T, M912T.
Identifiers: ClinVar variation 1347652 (VCV001347652.12), dbSNP rs1260702127, ClinGen allele CA374112195.
Genomic context (GRCh38, chr9:95,456,394, plus strand): 5'-ACGGGCACGGCACTGAGCTTGATTCCGATGAGGCCCATCATGCCGAACAGCTCGACCGTC[A>G]TCAGCGCCAGGACCATCACCTGGAGCAGGGCACACAGTGGTCAGTGGGCGGGCAGGTCAC-3'
Protein context (NP_000255.2, residues 1053-1073): AGIIVMVLAL[Met1063Thr]TVELFGMMGL

ClinVar aggregate classification (germline): Uncertain significance. Review status: criteria provided, multiple submitters, no conflicts (2 of 4 stars). 4 submissions from 4 submitters: Uncertain significance (4). Last evaluated 2024-06-10.

Conditions:
Hereditary cancer-predisposing syndrome. Also called: Hereditary Cancer Syndrome; Neoplastic Syndromes, Hereditary; Tumor predisposition; Hereditary neoplastic syndrome. Identifiers: Orphanet 140162, MedGen C0027672, MeSH D009386, MONDO:0015356.
Gorlin syndrome. Also called: Basal cell nevus syndrome; Nevoid Basal Cell Carcinoma Syndrome. Identifiers: Orphanet 377, MedGen C0004779, MONDO:0007187.

Allele frequency attached by ClinVar (database versions not stated): gnomAD exomes below 0.00001; gnomAD 0.00001.

Submissions (4):

GeneDx
Classification: Uncertain significance. Last evaluated: 2024-06-10. Review status: criteria provided, single submitter. Criteria: GeneDx Variant Classification Process June 2021. Collection method: clinical testing. Allele origin: germline. Affected: yes.
Comment: Not observed at significant frequency in large population cohorts (gnomAD); In silico analysis supports that this missense variant has a deleterious effect on protein structure/function; Has not been previously published as pathogenic or benign to our knowledge

Quest Diagnostics Nichols Institute San Juan Capistrano
Classification: Uncertain significance. Last evaluated: 2023-01-09. Review status: criteria provided, single submitter. Criteria: Quest Diagnostics criteria. Collection method: clinical testing. Allele origin: unknown.
Comment: The variant has not been reported in the published literature. The frequency of this variant in the general population, 0.0000066 (1/152180 chromosomes), is uninformative in assessment of its pathogenicity. Analysis of this variant using bioinformatics tools for the prediction of the effect of amino acid changes on protein structure and function yielded predictions that this variant is damaging. Based on the available information, we are unable to determine the clinical significance of this variant.

Ambry Genetics
Classification: Uncertain significance for Hereditary cancer-predisposing syndrome. Last evaluated: 2022-10-26. Review status: criteria provided, single submitter. Criteria: Ambry Variant Classification Scheme 2023. Collection method: clinical testing. Allele origin: germline.
Comment: The p.M1063T variant (also known as c.3188T>C), located in coding exon 19 of the PTCH1 gene, results from a T to C substitution at nucleotide position 3188. The methionine at codon 1063 is replaced by threonine, an amino acid with similar properties. This amino acid position is highly conserved in available vertebrate species. In addition, this alteration is predicted to be deleterious by in silico analysis. Since supporting evidence is limited at this time, the clinical significance of this alteration remains unclear.

Labcorp Genetics (formerly Invitae), Labcorp
Classification: Uncertain significance for Gorlin syndrome. Last evaluated: 2022-09-01. Review status: criteria provided, single submitter. Criteria: Invitae Variant Classification Sherloc (09022015). Collection method: clinical testing. Allele origin: germline.
Comment: In summary, the available evidence is currently insufficient to determine the role of this variant in disease. Therefore, it has been classified as a Variant of Uncertain Significance. Advanced modeling of protein sequence and biophysical properties (such as structural, functional, and spatial information, amino acid conservation, physicochemical variation, residue mobility, and thermodynamic stability) performed at Invitae indicates that this missense variant is not expected to disrupt PTCH1 protein function. ClinVar contains an entry for this variant (Variation ID: 1347652). This variant has not been reported in the literature in individuals affected with PTCH1-related conditions. This variant is present in population databases (no rsID available, gnomAD 0.007%). This sequence change replaces methionine, which is neutral and non-polar, with threonine, which is neutral and polar, at codon 1063 of the PTCH1 protein (p.Met1063Thr).